The following is an entry in ClinVar:

NM_001353345.2(SETD1B):c.3061C>T (p.Arg1021Trp)

Gene: SETD1B (SET domain containing 1B, histone lysine methyltransferase; plus strand). Cytogenetic location: 12q24.31.
Variant type: single nucleotide variant.
Coding change: c.3061C>T on transcript NM_001353345.2 (MANE Select); coding-DNA position 3061, C replaced by T.
Protein change: p.Arg1021Trp; replaces arginine 1021 with tryptophan.
Molecular consequence: missense variant.
Genome position (GRCh38, 1-based): chr12:121,817,453, C>T. VCF-style: chr12-121817453-C-T. GRCh37 (hg19) VCF-style: chr12-122255359-C-T.
Other names: short protein forms R1021W.
Identifiers: ClinVar variation 3372939 (VCV003372939.1).

ClinVar aggregate classification (germline): Uncertain significance (1 of 4 stars; one submission).

Submission:

GeneDx
Classification: Uncertain significance. Last evaluated: 2024-04-29. Review status: criteria provided, single submitter. Criteria: GeneDx Variant Classification Process June 2021. Collection method: clinical testing. Allele origin: germline. Affected: yes.
Comment: Not observed at significant frequency in large population cohorts (gnomAD); In silico analysis supports that this missense variant has a deleterious effect on protein structure/function; Has not been previously published as pathogenic or benign to our knowledge